The following is an entry in ClinVar:

ClinVar aggregate classification (germline): Uncertain significance (1 of 4 stars; one submission).

Conditions:
Familial sleep-related hypermotor epilepsy. Also called: Autosomal Dominant Sleep-Related Hypermotor (Hyperkinetic) Epilepsy. Identifiers: Orphanet 98784, MedGen C3696898, MONDO:0000030.

Allele frequency attached by ClinVar (database versions not stated): gnomAD exomes 0.00001; ExAC 0.00001.
gnomAD v4.1: 8 of 1,594,942 alleles (0.0005%); highest among the groups gnomAD compares: Non-Finnish European, 0.0006%; no homozygotes.

Submission:

Labcorp Genetics (formerly Invitae), Labcorp
Classification: Uncertain significance. Last evaluated: 2023-04-30. Review status: criteria provided, single submitter. Criteria: Invitae Variant Classification Sherloc (09022015). Collection method: clinical testing. Allele origin: germline.
Comment: This sequence change replaces arginine, which is basic and polar, with cysteine, which is neutral and slightly polar, at codon 99 of the CHRNA4 protein (p.Arg99Cys). This variant is present in population databases (rs201160663, gnomAD 0.0009%). This variant has not been reported in the literature in individuals affected with CHRNA4-related conditions. This missense change has been observed in at least one individual who was not affected with CHRNA4-related conditions (Invitae). Advanced modeling of protein sequence and biophysical properties (such as structural, functional, and spatial information, amino acid conservation, physicochemical variation, residue mobility, and thermodynamic stability) has been performed at Invitae for this missense variant, however the output from this modeling did not meet the statistical confidence thresholds required to predict the impact of this variant on CHRNA4 protein function. In summary, the available evidence is currently insufficient to determine the role of this variant in disease. Therefore, it has been classified as a Variant of Uncertain Significance.

NM_000744.7(CHRNA4):c.295C>T (p.Arg99Cys)

Genes: CHRNA4 (cholinergic receptor nicotinic alpha 4 subunit; minus strand), LOC126863087 (P300/CBP strongly-dependent group 1 enhancer GRCh37_chr20:61986832-61988031; plus strand). Cytogenetic location: 20q13.33.
Variant type: single nucleotide variant.
Coding change: c.295C>T on transcript NM_000744.7 (MANE Select); coding-DNA position 295, C replaced by T.
Protein change: p.Arg99Cys; replaces arginine 99 with cysteine.
Molecular consequence: missense variant. On other transcripts: 5 prime UTR variant (1), non-coding transcript variant (1).
Genome position (GRCh38, 1-based): chr20:63,356,063, G>A on the plus strand (C>T on the coding strand, the complement: CHRNA4 is on the minus strand). VCF-style: chr20-63356063-G-A. GRCh37 (hg19) VCF-style: chr20-61987415-G-A.
Other names: c.-252C>T (NM_001256573.2); short protein forms R99C.
Identifiers: ClinVar variation 2797103 (VCV002797103.3), dbSNP rs201160663, ClinGen allele CA9957875.
Genomic context (GRCh38, chr20:63,356,063, plus strand): 5'-AGATGAGCTCGGAGGGGATGCGGATGGAGGTGACATTCTCATAGTCAGCTGGGTCCCAGC[G>A]CAGCTTGTAGTCGTGCCACTCCTGGATGAGGTGGGGCGGGGGGAGGCTGCAGGGTGAGGG-3'
Protein context (NP_000735.1, residues 89-109): VKQEWHDYKL[Arg99Cys]WDPADYENVT